The following is an entry in ClinVar:

NM_000026.4(ADSL):c.978G>T (p.Trp326Cys)

Gene: ADSL (adenylosuccinate lyase; plus strand). Cytogenetic location: 22q13.1.
Variant type: single nucleotide variant.
Coding change: c.978G>T on transcript NM_000026.4 (MANE Select); coding-DNA position 978, G replaced by T.
Protein change: p.Trp326Cys; replaces tryptophan 326 with cysteine.
Molecular consequence: missense variant. On other transcripts: non-coding transcript variant (1).
Genome position (GRCh38, 1-based): chr22:40,361,603, G>T. VCF-style: chr22-40361603-G-T. GRCh37 (hg19) VCF-style: chr22-40757607-G-T.
Other names: c.978G>T, p.Trp326Cys (NM_001123378.3, NM_001363840.3); c.786G>T, p.Trp262Cys (NM_001317923.2); short protein forms W262C, W326C.
Identifiers: ClinVar variation 1007386 (VCV001007386.9), dbSNP rs1224557562, ClinGen allele CA411644468.

ClinVar aggregate classification (germline): Uncertain significance (1 of 4 stars; one submission).

Conditions:
Adenylosuccinate lyase deficiency (ADSLD). Also called: ADSL DEFICIENCY. Identifiers: Orphanet 46, MedGen C0268126, MONDO:0007068, OMIM 103050.

gnomAD v4.1: 1 of 1,614,050 alleles (0.000062%); highest among the groups gnomAD compares: Non-Finnish European, 0.000085%; no homozygotes.

Submission:

Labcorp Genetics (formerly Invitae), Labcorp
Classification: Uncertain significance for Adenylosuccinate lyase deficiency. Last evaluated: 2024-04-22. Review status: criteria provided, single submitter. Criteria: Invitae Variant Classification Sherloc (09022015). Collection method: clinical testing. Allele origin: germline.
Comment: This sequence change replaces tryptophan, which is neutral and slightly polar, with cysteine, which is neutral and slightly polar, at codon 326 of the ADSL protein (p.Trp326Cys). This variant is not present in population databases (gnomAD no frequency). This variant has not been reported in the literature in individuals affected with ADSL-related conditions. ClinVar contains an entry for this variant (Variation ID: 1007386). Advanced modeling of protein sequence and biophysical properties (such as structural, functional, and spatial information, amino acid conservation, physicochemical variation, residue mobility, and thermodynamic stability) performed at Invitae indicates that this missense variant is expected to disrupt ADSL protein function with a positive predictive value of 80%. In summary, the available evidence is currently insufficient to determine the role of this variant in disease. Therefore, it has been classified as a Variant of Uncertain Significance.